The following is an entry in ClinVar:

ClinVar aggregate classification (germline): Benign (0 of 4 stars; one submission).

Conditions:
A2M-related disorder. Also called: A2M-related condition.

Allele frequency attached by ClinVar (database versions not stated): ESP Exome Variant Server 0.00025; gnomAD 0.00029; TOPMed 0.00036; ExAC 0.00076.
gnomAD v4.1: 534 of 1,595,906 alleles (0.033%); highest among the groups gnomAD compares: Middle Eastern, 0.51%; no homozygotes.

Submission:

PreventionGenetics, part of Exact Sciences
Classification: Benign for A2M-related condition. Last evaluated: 2019-08-20. Review status: no assertion criteria provided. Collection method: clinical testing. Allele origin: germline.
Comment: This variant is classified as benign based on ACMG/AMP sequence variant interpretation guidelines (Richards et al. 2015 PMID: 25741868, with internal and published modifications).

NM_000014.6(A2M):c.1129G>A (p.Val377Ile)

Genes: A2M (alpha-2-macroglobulin; minus strand), KLRG1 (killer cell lectin like receptor G1; plus strand). Cytogenetic location: 12p13.31.
Variant type: single nucleotide variant.
Coding change: c.1129G>A on transcript NM_000014.6 (MANE Select); coding-DNA position 1129, G replaced by A.
Protein change: p.Val377Ile; replaces valine 377 with isoleucine.
Molecular consequence: missense variant.
Genome position (GRCh38, 1-based): chr12:9,104,376, C>T on the plus strand (G>A on the coding strand, the complement: A2M is on the minus strand). VCF-style: chr12-9104376-C-T. GRCh37 (hg19) VCF-style: chr12-9256972-C-T.
Other names: c.1129G>A, p.Val377Ile (NM_001347423.2); c.829G>A, p.Val277Ile (NM_001347424.2); c.679G>A, p.Val227Ile (NM_001347425.2); short protein forms V227I, V277I, V377I.
Identifiers: ClinVar variation 3044172 (VCV003044172.2), dbSNP rs200364039, ClinGen allele CA6438730.